The following is an entry in ClinVar:

NM_001042492.3(NF1):c.5854dup (p.Trp1952fs)

Gene: NF1 (neurofibromin 1; plus strand). Cytogenetic location: 17q11.2.
Variant type: Duplication.
Coding change: c.5854dup on transcript NM_001042492.3 (MANE Select); coding-DNA position 5854, one base duplicated (T; older notation c.5854dupT).
Protein change: p.Trp1952fs; shifts the reading frame from tryptophan 1952.
Molecular consequence: frameshift variant.
Genome position (GRCh38, 1-based): chr17:31,334,879, T duplicated. VCF-style (leftmost placement, unchanged base first): chr17-31334878-A-AT. GRCh37 (hg19) VCF-style: chr17-29661896-A-AT.
Other names: c.5791dup, p.Trp1931Leufs (NM_000267.4); short protein forms W1931fs, W1952fs.
Identifiers: ClinVar variation 2128828 (VCV002128828.4), dbSNP rs2508736397, ClinGen allele CA2580092960.

ClinVar aggregate classification (germline): Pathogenic (1 of 4 stars; one submission).

Conditions:
Neurofibromatosis, type 1 (NF1). Also called: Peripheral type neurofibromatosis; NEUROFIBROMATOSIS, TYPE I, SOMATIC; Neurofibromatosis, type I; VON RECKLINGHAUSEN DISEASE. Identifiers: Orphanet 636, MedGen C0027831, MONDO:0018975, OMIM 162200. Disease mechanism: loss of function.

Submission:

Labcorp Genetics (formerly Invitae), Labcorp
Classification: Pathogenic for Neurofibromatosis, type 1. Last evaluated: 2022-04-21. Review status: criteria provided, single submitter. Criteria: Invitae Variant Classification Sherloc (09022015). Collection method: clinical testing. Allele origin: germline.
Comment: For these reasons, this variant has been classified as Pathogenic. This variant has not been reported in the literature in individuals affected with NF1-related conditions. This variant is not present in population databases (gnomAD no frequency). This sequence change creates a premature translational stop signal (p.Trp1931Leufs*12) in the NF1 gene. It is expected to result in an absent or disrupted protein product. Loss-of-function variants in NF1 are known to be pathogenic (PMID: 10712197, 23913538).

Literature cited by the submitters: PubMed 10712197; PubMed 23913538.